The following is an entry in ClinVar:

ClinVar aggregate classification (germline): Uncertain significance (1 of 4 stars; one submission).

Conditions:
Cardiovascular phenotype. Identifiers: MedGen CN230736.

gnomAD v4.1: 1 of 1,614,076 alleles (0.000062%); highest among the groups gnomAD compares: Non-Finnish European, 0.000085%; no homozygotes.

Submission:

Ambry Genetics
Classification: Uncertain significance for Cardiovascular phenotype. Last evaluated: 2025-01-25. Review status: criteria provided, single submitter. Criteria: Ambry Variant Classification Scheme 2023. Collection method: clinical testing. Allele origin: germline.
Comment: The p.H618R variant (also known as c.1853A>G), located in coding exon 11 of the CBL gene, results from an A to G substitution at nucleotide position 1853. The histidine at codon 618 is replaced by arginine, an amino acid with highly similar properties. This amino acid position is conserved. In addition, the in silico prediction for this alteration is inconclusive. Based on the available evidence, the clinical significance of this variant remains unclear.

NM_005188.4(CBL):c.1853A>G (p.His618Arg)

Gene: CBL (Cbl proto-oncogene; plus strand). Cytogenetic location: 11q23.3.
Variant type: single nucleotide variant.
Coding change: c.1853A>G on transcript NM_005188.4 (MANE Select); coding-DNA position 1853, A replaced by G.
Protein change: p.His618Arg; replaces histidine 618 with arginine.
Molecular consequence: missense variant.
Genome position (GRCh38, 1-based): chr11:119,285,478, A>G. VCF-style: chr11-119285478-A-G. GRCh37 (hg19) VCF-style: chr11-119156188-A-G.
Other names: short protein forms H618R.
Identifiers: ClinVar variation 3827818 (VCV003827818.1).